The following is an entry in ClinVar:

ClinVar aggregate classification (germline): Likely benign. Review status: criteria provided, multiple submitters, no conflicts (2 of 4 stars). 3 submissions from 3 submitters: Likely benign (3). Last evaluated 2026-01-19.

Conditions:
SETBP1-related disorder. Also called: SETBP1-related condition; SETBP1-related disorders.

Allele frequency attached by ClinVar (database versions not stated): gnomAD 0.00003 and 0.00004; gnomAD exomes 0.00004; TOPMed 0.00004; ExAC 0.00005; ESP Exome Variant Server 0.00008.
gnomAD v4.1: 60 of 1,613,948 alleles (0.0037%); highest among the groups gnomAD compares: Non-Finnish European, 0.0049%; no homozygotes.

Submissions (3):

Labcorp Genetics (formerly Invitae), Labcorp
Classification: Likely benign. Last evaluated: 2026-01-19. Review status: criteria provided, single submitter. Criteria: Invitae Variant Classification Sherloc (09022015). Collection method: clinical testing. Allele origin: germline.

PreventionGenetics, part of Exact Sciences
Classification: Likely benign for SETBP1-related condition. Last evaluated: 2025-12-23. Review status: criteria provided, single submitter. Criteria: ACMG Guidelines, 2015. Collection method: clinical testing. Allele origin: germline.
Comment: This variant is classified as likely benign based on ACMG/AMP sequence variant interpretation guidelines (Richards et al. 2015 PMID: 25741868, with internal and published modifications).

Blueprint Genetics
Classification: Likely benign. Last evaluated: 2024-02-05. Review status: criteria provided, single submitter. Criteria: ACMG Guidelines, 2015. Collection method: clinical testing. Allele origin: germline.

NM_015559.3(SETBP1):c.171A>G (p.Pro57=)

Gene: SETBP1 (SET binding protein 1; plus strand). Cytogenetic location: 18q12.3.
Variant type: single nucleotide variant.
Coding change: c.171A>G on transcript NM_015559.3 (MANE Select); coding-DNA position 171, A replaced by G.
Protein change: p.Pro57=; no amino-acid change (proline 57 retained).
Molecular consequence: synonymous variant.
Genome position (GRCh38, 1-based): chr18:44,701,517, A>G. VCF-style: chr18-44701517-A-G. GRCh37 (hg19) VCF-style: chr18-42281482-A-G.
Other names: c.171A>G, p.Pro57= (NM_001130110.2, NM_001379141.1, NM_001379142.1); c.171A>G (NM_015559.2).
Identifiers: ClinVar variation 1587467 (VCV001587467.10), dbSNP rs148596984, ClinGen allele CA8945345.